The following is an entry in ClinVar:

ClinVar aggregate classification (germline): Uncertain significance (1 of 4 stars; one submission).

Allele frequency attached by ClinVar (database versions not stated): gnomAD exomes 0.00001; TOPMed 0.00006; gnomAD 0.01269.

Submission:

Ambry Genetics
Classification: Uncertain significance. Last evaluated: 2023-10-10. Review status: criteria provided, single submitter. Criteria: Ambry Variant Classification Scheme 2023. Collection method: clinical testing. Allele origin: germline.
Comment: The c.19G>A (p.G7S) alteration is located in exon (coding exon ) of the MMP24 gene. This alteration results from a G to A substitution at nucleotide position 19, causing the glycine (G) at amino acid position 7 to be replaced by a serine (S). Based on insufficient or conflicting evidence, the clinical significance of this alteration remains unclear.

NM_006690.4(MMP24):c.19G>A (p.Gly7Ser)

Genes: MMP24 (matrix metallopeptidase 24; plus strand), MMP24-AS1-EDEM2 (MMP24-AS1-EDEM2 readthrough; minus strand). Cytogenetic location: 20q11.22.
Variant type: single nucleotide variant.
Coding change: c.19G>A on transcript NM_006690.4 (MANE Select); coding-DNA position 19, G replaced by A.
Protein change: p.Gly7Ser; replaces glycine 7 with serine.
Molecular consequence: missense variant. On other transcripts: intron variant (1).
Genome position (GRCh38, 1-based): chr20:35,226,757, G>A. VCF-style: chr20-35226757-G-A. GRCh37 (hg19) VCF-style: chr20-33814560-G-A.
Other names: c.-351-8696C>T (NM_001355008.2); short protein forms G7S.
Identifiers: ClinVar variation 3162957 (VCV003162957.1), dbSNP rs1020190708, ClinGen allele CA313483641.